The following is an entry in ClinVar:

ClinVar aggregate classification (germline): Uncertain significance. Review status: criteria provided, multiple submitters, no conflicts (2 of 4 stars). 2 submissions from 2 submitters: Uncertain significance (2). Last evaluated 2025-12-18.

Conditions:
Spastic paraplegia. Identifiers: MedGen C0037772, HP:0001258.

Submissions (2):

Labcorp Genetics (formerly Invitae), Labcorp
Classification: Uncertain significance for Spastic paraplegia. Last evaluated: 2025-12-18. Review status: criteria provided, single submitter. Criteria: Invitae Variant Classification Sherloc (09022015). Collection method: clinical testing. Allele origin: germline.
Comment: This sequence change replaces glutamine, which is neutral and polar, with histidine, which is basic and polar, at codon 447 of the KIF5A protein (p.Gln447His). This variant is not present in population databases (gnomAD no frequency). This variant has not been reported in the literature in individuals affected with KIF5A-related conditions. ClinVar contains an entry for this variant (Variation ID: 2575829). Invitae Evidence Modeling of protein sequence and biophysical properties (such as structural, functional, and spatial information, amino acid conservation, physicochemical variation, residue mobility, and thermodynamic stability) has been performed for this missense variant. However, the output from this modeling did not meet the statistical confidence thresholds required to predict the impact of this variant on KIF5A protein function. In summary, the available evidence is currently insufficient to determine the role of this variant in disease. Therefore, it has been classified as a Variant of Uncertain Significance.

GeneDx
Classification: Uncertain significance. Last evaluated: 2023-02-09. Review status: criteria provided, single submitter. Criteria: GeneDx Variant Classification Process June 2021. Collection method: clinical testing. Allele origin: germline. Affected: yes.
Comment: Not observed at significant frequency in large population cohorts (gnomAD); In silico analysis supports that this missense variant has a deleterious effect on protein structure/function; Has not been previously published as pathogenic or benign to our knowledge

NM_004984.4(KIF5A):c.1341G>T (p.Gln447His)

Gene: KIF5A (kinesin family member 5A; plus strand). Cytogenetic location: 12q13.3.
Variant type: single nucleotide variant.
Coding change: c.1341G>T on transcript NM_004984.4 (MANE Select); coding-DNA position 1341, G replaced by T.
Protein change: p.Gln447His; replaces glutamine 447 with histidine.
Molecular consequence: missense variant.
Genome position (GRCh38, 1-based): chr12:57,571,368, G>T. VCF-style: chr12-57571368-G-T. GRCh37 (hg19) VCF-style: chr12-57965151-G-T.
Other names: c.1074G>T, p.Gln358His (NM_001354705.2); short protein forms Q358H, Q447H.
Identifiers: ClinVar variation 2575829 (VCV002575829.2), dbSNP rs2540503037, ClinGen allele CA385505009.